The following is an entry in ClinVar:

ClinVar aggregate classification (germline): Uncertain significance (1 of 4 stars; one submission).

Conditions:
Hereditary sensory neuropathy-deafness-dementia syndrome. Also called: HSN IE; Hereditary Sensory and Autonomic Neuropathy Type 1E (HSAN1E); Hereditary sensory neuropathy type IE; NEUROPATHY, HEREDITARY SENSORY, WITH HEARING LOSS AND DEMENTIA. Identifiers: Orphanet 456318, MedGen C3279885, MONDO:0013584, OMIM 614116.

Allele frequency attached by ClinVar (database versions not stated): gnomAD exomes below 0.00001; TOPMed below 0.00001.
gnomAD v4.1: 3 of 1,614,048 alleles (0.00019%); highest among the groups gnomAD compares: Non-Finnish European, 0.00025%; no homozygotes.

Submission:

Labcorp Genetics (formerly Invitae), Labcorp
Classification: Uncertain significance for Hereditary sensory neuropathy-deafness-dementia syndrome. Last evaluated: 2020-02-12. Review status: criteria provided, single submitter. Criteria: Invitae Variant Classification Sherloc (09022015). Collection method: clinical testing. Allele origin: germline.
Comment: This sequence change replaces arginine with tryptophan at codon 976 of the DNMT1 protein (p.Arg976Trp). The arginine residue is moderately conserved and there is a moderate physicochemical difference between arginine and tryptophan. This variant has not been reported in the literature in individuals with DNMT1-related disease. This variant is not present in population databases (ExAC no frequency). In summary, the available evidence is currently insufficient to determine the role of this variant in disease. Therefore, it has been classified as a Variant of Uncertain Significance. Algorithms developed to predict the effect of missense changes on protein structure and function do not agree on the potential impact of this missense change (SIFT: "Deleterious"; PolyPhen-2: "Possibly Damaging"; Align-GVGD: "Class C0").

NM_001130823.3(DNMT1):c.2926C>T (p.Arg976Trp)

Gene: DNMT1 (DNA methyltransferase 1; minus strand). Cytogenetic location: 19p13.2.
Variant type: single nucleotide variant.
Coding change: c.2926C>T on transcript NM_001130823.3 (MANE Select); coding-DNA position 2926, C replaced by T.
Protein change: p.Arg976Trp; replaces arginine 976 with tryptophan.
Molecular consequence: missense variant.
Genome position (GRCh38, 1-based): chr19:10,143,956, G>A on the plus strand (C>T on the coding strand, the complement: DNMT1 is on the minus strand). VCF-style: chr19-10143956-G-A. GRCh37 (hg19) VCF-style: chr19-10254632-G-A.
Other names: c.2926C>T (LRG_362t1); c.2878C>T, p.Arg960Trp (NM_001318730.2, NM_001379.4); c.2563C>T, p.Arg855Trp (NM_001318731.2); short protein forms R976W, R960W, R855W.
Identifiers: ClinVar variation 578489 (VCV000578489.8), dbSNP rs1568226455, ClinGen allele CA403976002.